The following is an entry in ClinVar:

ClinVar aggregate classification (germline): Likely benign (1 of 4 stars; one submission).

Allele frequency attached by ClinVar (database versions not stated): gnomAD exomes below 0.00001.
gnomAD v4.1: 3 of 1,613,842 alleles (0.00019%); highest among the groups gnomAD compares: South Asian, 0.0011%; no homozygotes.

Submission:

CeGaT Center for Human Genetics Tuebingen
Classification: Likely benign. Last evaluated: 2023-04-01. Review status: criteria provided, single submitter. Criteria: CeGaT Center For Human Genetics Tuebingen Variant Classification Criteria Version 2. Collection method: clinical testing. Allele origin: germline. Affected: yes. Observed: 1 variant allele.
Comment: REV3L: PM2:Supporting, BP4, BP7

NM_001372078.1(REV3L):c.780T>G (p.Gly260=)

Gene: REV3L (REV3 like, DNA directed polymerase zeta catalytic subunit; minus strand). Cytogenetic location: 6q21.
Variant type: single nucleotide variant.
Coding change: c.780T>G on transcript NM_001372078.1 (MANE Select); coding-DNA position 780, T replaced by G.
Protein change: p.Gly260=; no amino-acid change (glycine 260 retained).
Molecular consequence: synonymous variant.
Genome position (GRCh38, 1-based): chr6:111,389,188, A>C on the plus strand (T>G on the coding strand, the complement: REV3L is on the minus strand). VCF-style: chr6-111389188-A-C. GRCh37 (hg19) VCF-style: chr6-111710391-A-C.
Other names: c.546T>G, p.Gly182= (NM_001286431.2, NM_001286432.2); c.780T>G, p.Gly260= (NM_002912.5).
Identifiers: ClinVar variation 2656855 (VCV002656855.24), dbSNP rs2535071035, ClinGen allele CA451782573.